The following is an entry in ClinVar:

ClinVar aggregate classification (germline): Uncertain significance (1 of 4 stars; one submission).

Conditions:
Chuvash polycythemia. Also called: POLYCYTHEMIA, VHL-DEPENDENT. Identifiers: Orphanet 238557, MedGen C1837915, MONDO:0009892, OMIM 263400.
Von Hippel-Lindau syndrome (VHLS). Also called: Von Hippel-Lindau; von Hippel–Lindau syndrome; VHL syndrome. Identifiers: Orphanet 892, MedGen C0019562, MONDO:0008667, OMIM 193300. Disease mechanism: loss of function.

Submission:

Labcorp Genetics (formerly Invitae), Labcorp
Classification: Uncertain significance for Von Hippel-Lindau syndrome; Chuvash polycythemia. Last evaluated: 2022-05-21. Review status: criteria provided, single submitter. Criteria: Invitae Variant Classification Sherloc (09022015). Collection method: clinical testing. Allele origin: germline.
Comment: This variant is not present in population databases (gnomAD no frequency). In summary, the available evidence is currently insufficient to determine the role of this variant in disease. Therefore, it has been classified as a Variant of Uncertain Significance. Algorithms developed to predict the effect of sequence changes on RNA splicing suggest that this variant is not likely to affect RNA splicing. This variant has not been reported in the literature in individuals affected with VHL-related conditions. This sequence change falls in intron 1 of the VHL gene. It is not expected to change the encoded amino acid sequence of the VHL protein. However, this sequence change falls within a cryptic exon in the VHL gene, known as exon E1’, which is naturally expressed at low levels in several human tissues (PMID: 29891534).

Literature cited by the submitters: PubMed 29891534.

NM_000551.4(VHL):c.340+613T>C

Genes: VHL (von Hippel-Lindau tumor suppressor; plus strand), LOC107303340 (3p25 von Hippel-Lindau tumor suppressor, E3 ubiquitin protein ligase Alu-mediated recombination region; plus strand). Cytogenetic location: 3p25.3.
Variant type: single nucleotide variant.
Coding change: c.340+613T>C on transcript NM_000551.4 (MANE Select); 613 bases into the intron after coding-DNA position 340, T replaced by C.
Molecular consequence: intron variant. On other transcripts: synonymous variant (1), non-coding transcript variant (1).
Genome position (GRCh38, 1-based): chr3:10,142,800, T>C. VCF-style: chr3-10142800-T-C. GRCh37 (hg19) VCF-style: chr3-10184484-T-C.
Other names: c.378T>C, p.Pro126= (NM_001354723.2); c.340+613T>C (NM_198156.3).
Identifiers: ClinVar variation 1997592 (VCV001997592.4), dbSNP rs2470159931, ClinGen allele CA2580068422.